The following is an entry in ClinVar:

NM_000368.5(TSC1):c.914G>A (p.Gly305Glu)

Gene: TSC1 (TSC complex subunit 1; minus strand). Cytogenetic location: 9q34.13.
Variant type: single nucleotide variant.
Coding change: c.914G>A on transcript NM_000368.5 (MANE Select); coding-DNA position 914, G replaced by A.
Protein change: p.Gly305Glu; replaces glycine 305 with glutamic acid.
Molecular consequence: missense variant. On other transcripts: non-coding transcript variant (5), 5 prime UTR variant (5).
Genome position (GRCh38, 1-based): chr9:132,911,568, C>T on the plus strand (G>A on the coding strand, the complement: TSC1 is on the minus strand). VCF-style: chr9-132911568-C-T. GRCh37 (hg19) VCF-style: chr9-135786955-C-T.
Other names: c.914G>A, p.Gly305Glu (NM_001162426.2, NM_001406592.1, NM_001406593.1 and 16 more transcripts); c.761G>A, p.Gly254Glu (NM_001162427.2, NM_001406612.1, NM_001406613.1 and 2 more transcripts); c.551G>A, p.Gly184Glu (NM_001362177.2, NM_001406614.1, NM_001406615.1 and 10 more transcripts); c.-38G>A (NM_001406626.1, NM_001406627.1, NM_001406628.1); c.-180G>A (NM_001406629.1, NM_001406630.1); short protein forms G184E, G305E, G254E.
Identifiers: ClinVar variation 3640477 (VCV003640477.2).
Genomic context (GRCh38, chr9:132,911,568, plus strand): 5'-TGCCCTGGCATATTTAACAACATCAGCCGAGACGTGGAGTAAGGGGTAGAAGTAGCACAC[C>T]CTAAAATGGAAGAGAAGAACACAGGGGGTTAGTGTGTGGTTTTAGGTTATTCTGGTTAAA-3'
Protein context (NP_000359.1, residues 295-315): SPYADTQNSY[Gly305Glu]CATSTPYSTS

ClinVar aggregate classification (germline): Uncertain significance (1 of 4 stars; one submission).

Conditions:
Tuberous sclerosis 1 (TSC1). Identifiers: Orphanet 805, MedGen C1854465, MONDO:0008612, OMIM 191100.

Submission:

Labcorp Genetics (formerly Invitae), Labcorp
Classification: Uncertain significance for Tuberous sclerosis 1. Last evaluated: 2024-02-13. Review status: criteria provided, single submitter. Criteria: Invitae Variant Classification Sherloc (09022015). Collection method: clinical testing. Allele origin: germline.
Comment: This sequence change replaces glycine, which is neutral and non-polar, with glutamic acid, which is acidic and polar, at codon 305 of the TSC1 protein (p.Gly305Glu). This variant is not present in population databases (gnomAD no frequency). This variant has not been reported in the literature in individuals affected with TSC1-related conditions. An algorithm developed to predict the effect of missense changes on protein structure and function (PolyPhen-2) suggests that this variant is likely to be disruptive. In summary, the available evidence is currently insufficient to determine the role of this variant in disease. Therefore, it has been classified as a Variant of Uncertain Significance.